The following is an entry in ClinVar:

NM_001844.5(COL2A1):c.2733+239G>C

Gene: COL2A1 (collagen type II alpha 1 chain; minus strand). Cytogenetic location: 12q13.11.
Variant type: single nucleotide variant.
Coding change: c.2733+239G>C on transcript NM_001844.5 (MANE Select); 239 bases into the intron after coding-DNA position 2733, G replaced by C.
Molecular consequence: intron variant.
Genome position (GRCh38, 1-based): chr12:47,979,272, C>G on the plus strand (G>C on the coding strand, the complement: COL2A1 is on the minus strand). VCF-style: chr12-47979272-C-G. GRCh37 (hg19) VCF-style: chr12-48373055-C-G.
Other names: c.2526+239G>C (NM_033150.3).
Identifiers: ClinVar variation 679447 (VCV000679447.1), dbSNP rs73297163, ClinGen allele CA236522336.

ClinVar aggregate classification (germline): Benign (1 of 4 stars; one submission).

Allele frequency attached by ClinVar (database versions not stated): gnomAD 0.02468 and 0.02629; TOPMed 0.02770; 1000 Genomes Project 0.02895; 1000 Genomes Project 30x 0.03154.
gnomAD v4.1: 3,715 of 152,264 alleles (2.4%); highest among the groups gnomAD compares: African/African-American, 8.4%; 192 homozygotes.

Submission:

GeneDx
Classification: Benign. Last evaluated: 2018-06-14. Review status: criteria provided, single submitter. Criteria: GeneDx Variant Classification (06012015). Collection method: clinical testing. Allele origin: germline. Affected: yes.
Comment: This variant is considered likely benign or benign based on one or more of the following criteria: it is a conservative change, it occurs at a poorly conserved position in the protein, it is predicted to be benign by multiple in silico algorithms, and/or has population frequency not consistent with disease.